The following is an entry in ClinVar:

NM_181882.3(PRX):c.634C>A (p.Pro212Thr)

Gene: PRX (periaxin; minus strand). Cytogenetic location: 19q13.2.
Variant type: single nucleotide variant.
Coding change: c.634C>A on transcript NM_181882.3 (MANE Select); coding-DNA position 634, C replaced by A.
Protein change: p.Pro212Thr; replaces proline 212 with threonine.
Molecular consequence: missense variant. On other transcripts: 3 prime UTR variant (1).
Genome position (GRCh38, 1-based): chr19:40,397,718, G>T on the plus strand (C>A on the coding strand, the complement: PRX is on the minus strand). VCF-style: chr19-40397718-G-T. GRCh37 (hg19) VCF-style: chr19-40903625-G-T.
Other names: c.*839C>A (NM_020956.2); short protein forms P212T.
Identifiers: ClinVar variation 410599 (VCV000410599.6), dbSNP rs771156102, ClinGen allele CA9444406.

ClinVar aggregate classification (germline): Uncertain significance. Review status: criteria provided, multiple submitters, no conflicts (2 of 4 stars). 3 submissions from 3 submitters: Uncertain significance (3). Last evaluated 2026-01-20.

Conditions:
PRX-related disorder. Also called: PRX-Related Disorders; PRX-related condition.
Inborn genetic diseases. Identifiers: MedGen C0950123, MeSH D030342.
Charcot-Marie-Tooth disease type 4. Also called: Charcot-Marie-Tooth disease, type IV; Charcot-Marie-Tooth, Type 4. Identifiers: Orphanet 64749, MedGen C4082197, MONDO:0018995.

Allele frequency attached by ClinVar (database versions not stated): gnomAD 0.00002 and 0.00003; TOPMed 0.00002; gnomAD exomes 0.00003; ExAC 0.00011.
gnomAD v4.1: 30 of 1,559,680 alleles (0.0019%); highest among the groups gnomAD compares: Non-Finnish European, 0.0015%; no homozygotes.

Submissions (3):

PreventionGenetics, part of Exact Sciences
Classification: Uncertain significance for PRX-related condition. Last evaluated: 2026-01-20. Review status: criteria provided, single submitter. Criteria: ACMG Guidelines, 2015. Collection method: clinical testing. Allele origin: germline.
Comment: The PRX c.634C>A variant is predicted to result in the amino acid substitution p.Pro212Thr. To our knowledge, this variant has not been reported in the literature. This variant is reported in 0.035% of alleles in individuals of Ashkenazi Jewish descent in gnomAD. At this time, the clinical significance of this variant is uncertain due to the absence of conclusive functional and genetic evidence.

Ambry Genetics
Classification: Uncertain significance for Inborn genetic diseases. Last evaluated: 2025-07-14. Review status: criteria provided, single submitter. Criteria: Ambry Variant Classification Scheme 2023. Collection method: clinical testing. Allele origin: germline.

Labcorp Genetics (formerly Invitae), Labcorp
Classification: Uncertain significance for Charcot-Marie-Tooth disease type 4. Last evaluated: 2023-06-28. Review status: criteria provided, single submitter. Criteria: Invitae Variant Classification Sherloc (09022015). Collection method: clinical testing. Allele origin: germline.
Comment: In summary, the available evidence is currently insufficient to determine the role of this variant in disease. Therefore, it has been classified as a Variant of Uncertain Significance. An algorithm developed to predict the effect of missense changes on protein structure and function (PolyPhen-2) suggests that this variant is likely to be disruptive. ClinVar contains an entry for this variant (Variation ID: 410599). This variant has not been reported in the literature in individuals affected with PRX-related conditions. This variant is present in population databases (rs771156102, gnomAD 0.05%). This sequence change replaces proline, which is neutral and non-polar, with threonine, which is neutral and polar, at codon 212 of the PRX protein (p.Pro212Thr).